The following is an entry in ClinVar:

ClinVar aggregate classification (germline): Uncertain significance. Review status: criteria provided, multiple submitters, no conflicts (2 of 4 stars). 3 submissions from 3 submitters: Uncertain significance (3). Last evaluated 2025-03-24.

Conditions:
Nemaline myopathy 2 (NEM2). Also called: Nemaline myopathy 2, autosomal recessive. Identifiers: MedGen C1850569, MONDO:0009725, OMIM 256030.
Nemaline myopathy. Also called: Myopathies, Nemaline. Identifiers: Orphanet 607, MedGen C0206157, MONDO:0018958.

Allele frequency attached by ClinVar (database versions not stated): gnomAD 0.00001; gnomAD exomes 0.00001; TOPMed 0.00001.
gnomAD v4.1: 14 of 1,605,378 alleles (0.00087%); highest among the groups gnomAD compares: Non-Finnish European, 0.001%; no homozygotes.

Submissions (3):

Broad Center for Mendelian Genomics, Broad Institute of MIT and Harvard
Classification: Uncertain significance for Nemaline myopathy. Last evaluated: 2025-03-24. Review status: criteria provided, single submitter. Criteria: ACMG Guidelines, 2015. Collection method: curation. Allele origin: germline. Inheritance: Autosomal recessive inheritance.
Comment: The p.Asp3Gly variant in NEB has been reported, in the compound heterozygous state, in one individual with nemaline myopathy (PMID: 25205138), and has been identified in 0.001% (12/1176296) of European (non-Finnish) chromosomes by the Genome Aggregation Database (gnomAD; dbSNP ID: rs1245236784). Although this variant has been seen in the general population in a heterozygous state, its frequency is low enough to be consistent with a recessive carrier frequency. Computational prediction tools and conservation analyses suggest that this variant may impact the protein, though this information is not predictive enough to determine pathogenicity. In summary, the clinical significance of the p.Asp3Gly variant is uncertain. ACMG/AMP Criteria applied: PP3, PM2_supporting (Richards 2015).

Labcorp Genetics (formerly Invitae), Labcorp
Classification: Uncertain significance for Nemaline myopathy 2. Last evaluated: 2023-10-03. Review status: criteria provided, single submitter. Criteria: Invitae Variant Classification Sherloc (09022015). Collection method: clinical testing. Allele origin: germline.
Comment: This sequence change replaces aspartic acid, which is acidic and polar, with glycine, which is neutral and non-polar, at codon 3 of the NEB protein (p.Asp3Gly). This variant is not present in population databases (gnomAD no frequency). This missense change has been observed in individual(s) with nemaline myopathy (PMID: 25205138). ClinVar contains an entry for this variant (Variation ID: 1023531). Experimental studies and prediction algorithms are not available or were not evaluated, and the functional significance of this variant is currently unknown. Algorithms developed to predict the effect of sequence changes on RNA splicing suggest that this variant may disrupt the consensus splice site. In summary, the available evidence is currently insufficient to determine the role of this variant in disease. Therefore, it has been classified as a Variant of Uncertain Significance.

CeGaT Center for Human Genetics Tuebingen
Classification: Uncertain significance. Last evaluated: 2021-10-01. Review status: criteria provided, single submitter. Criteria: CeGaT Center For Human Genetics Tuebingen Variant Classification Criteria Version 2. Collection method: clinical testing. Allele origin: germline. Affected: yes. Observed: 1 variant allele.

Literature cited by the submitters: PubMed 25205138 (cited by Labcorp Genetics (formerly Invitae), Labcorp).

NM_001164508.2(NEB):c.8A>G (p.Asp3Gly)

Gene: NEB (nebulin; minus strand). Cytogenetic location: 2q23.3.
Variant type: single nucleotide variant.
Coding change: c.8A>G on transcript NM_001164508.2 (MANE Select); coding-DNA position 8, A replaced by G.
Protein change: p.Asp3Gly; replaces aspartic acid 3 with glycine.
Molecular consequence: missense variant.
Genome position (GRCh38, 1-based): chr2:151,733,149, T>C on the plus strand (A>G on the coding strand, the complement: NEB is on the minus strand). VCF-style: chr2-151733149-T-C. GRCh37 (hg19) VCF-style: chr2-152589663-T-C.
Other names: NM_001164508.2(NEB):c.8A>G; p.Asp3Gly; c.8A>G, p.Asp3Gly (NM_001164507.2, NM_001271208.2, NM_004543.5); short protein forms D3G.
Identifiers: ClinVar variation 1023531 (VCV001023531.43), dbSNP rs1245236784, ClinGen allele CA348797795.